The following is an entry in ClinVar:

ClinVar aggregate classification (germline): Conflicting classifications of pathogenicity. Review status: criteria provided, conflicting classifications (1 of 4 stars). 6 submissions from 6 submitters: Uncertain significance (3); Likely benign (3). Last evaluated 2025-12-17.

Conditions:
Hereditary breast ovarian cancer syndrome. Also called: Breast and ovarian cancer; BRCA1- and BRCA2-Associated Hereditary Breast and Ovarian Cancer; Hereditary breast and ovarian cancer; Hereditary breast and/or ovarian cancer syndrome; Hereditary breast and ovarian cancer syndrome; Hereditary breast and ovarian cancer syndrome (HBOC). Identifiers: Orphanet 145, MedGen C0677776, MeSH D061325, MONDO:0003582. Disease mechanism: loss of function.
Hereditary cancer-predisposing syndrome. Also called: Neoplastic Syndromes, Hereditary; Tumor predisposition; Hereditary neoplastic syndrome; Hereditary Cancer Syndrome. Identifiers: Orphanet 140162, MedGen C0027672, MeSH D009386, MONDO:0015356.

Allele frequency attached by ClinVar (database versions not stated): TOPMed 0.00001; 1000 Genomes Project 0.00020; gnomAD exomes below 0.00001 and 0.00001; 1000 Genomes Project 30x 0.00016; gnomAD 0.00001; ExAC 0.00002.

Submissions (6):

Ambry Genetics
Classification: Likely benign for Hereditary cancer-predisposing syndrome. Last evaluated: 2025-12-17. Review status: criteria provided, single submitter. Criteria: Ambry Variant Classification Scheme 2023. Collection method: clinical testing. Allele origin: germline.

Labcorp Genetics (formerly Invitae), Labcorp
Classification: Uncertain significance for Hereditary breast ovarian cancer syndrome. Last evaluated: 2025-11-22. Review status: criteria provided, single submitter. Criteria: Invitae Variant Classification Sherloc (09022015). Collection method: clinical testing. Allele origin: germline.
Comment: This sequence change replaces tyrosine, which is neutral and polar, with histidine, which is basic and polar, at codon 3417 of the BRCA2 protein (p.Tyr3417His). This variant is present in population databases (rs535952730, gnomAD 0.01%). This variant has not been reported in the literature in individuals affected with BRCA2-related conditions. ClinVar contains an entry for this variant (Variation ID: 409517). Invitae Evidence Modeling of protein sequence and biophysical properties (such as structural, functional, and spatial information, amino acid conservation, physicochemical variation, residue mobility, and thermodynamic stability) indicates that this missense variant is not expected to disrupt BRCA2 protein function with a negative predictive value of 95%. In summary, the available evidence is currently insufficient to determine the role of this variant in disease. Therefore, it has been classified as a Variant of Uncertain Significance.

Women's Health and Genetics/Laboratory Corporation of America, LabCorp
Classification: Uncertain significance. Last evaluated: 2023-09-18. Review status: criteria provided, single submitter. Criteria: LabCorp Variant Classification Summary - May 2015. Collection method: clinical testing. Allele origin: germline.
Comment: Variant summary: BRCA2 c.10249T>C (p.Tyr3417His) results in a conservative amino acid change in the encoded protein sequence. Five of five in-silico tools predict a benign effect of the variant on protein function. The variant allele was found at a frequency of 8e-06 in 250260 control chromosomes. The available data on variant occurrences in the general population are insufficient to allow any conclusion about variant significance. c.10249T>C has been reported in the literature in at-least one individual undergoing diagnostic genetic testing, without strong evidence for causality (example, Wai_2020). These report(s) do not provide unequivocal conclusions about association of the variant with Hereditary Breast And Ovarian Cancer Syndrome. To our knowledge, no experimental evidence demonstrating an impact on protein function has been reported. The following publication have been ascertained in the context of this evaluation (PMID: 32123317). Five submitters have cited clinical-significance assessments for this variant to ClinVar after 2014. Multiple submitters reported the variant with conflicting assessments (VUS, n=3; Likely benign, n=2). Based on the evidence outlined above, the variant was classified as uncertain significance.

Quest Diagnostics Nichols Institute San Juan Capistrano
Classification: Uncertain significance. Last evaluated: 2019-11-01. Review status: criteria provided, single submitter. Criteria: Quest Diagnostics criteria. Collection method: clinical testing. Allele origin: unknown.

GeneDx
Classification: Likely benign. Last evaluated: 2017-10-30. Review status: criteria provided, single submitter. Criteria: GeneDx Variant Classification (06012015). Collection method: clinical testing. Allele origin: germline. Affected: yes.
Comment: This variant is considered likely benign or benign based on one or more of the following criteria: it is a conservative change, it occurs at a poorly conserved position in the protein, it is predicted to be benign by multiple in silico algorithms, and/or has population frequency not consistent with disease.

Color Diagnostics, LLC DBA Color Health
Classification: Likely benign for Hereditary cancer-predisposing syndrome. Last evaluated: 2017-05-27. Review status: criteria provided, single submitter. Criteria: ACMG Guidelines, 2015. Collection method: clinical testing. Allele origin: germline.

Literature cited by the submitters: PubMed 32123317 (cited by Women's Health and Genetics/Laboratory Corporation of America, LabCorp).

NM_000059.4(BRCA2):c.10249T>C (p.Tyr3417His)

Gene: BRCA2 (BRCA2 DNA repair associated; plus strand). Cytogenetic location: 13q13.1.
Variant type: single nucleotide variant.
Coding change: c.10249T>C on transcript NM_000059.4 (MANE Select); coding-DNA position 10249, T replaced by C.
Protein change: p.Tyr3417His; replaces tyrosine 3417 with histidine.
Molecular consequence: missense variant.
Genome position (GRCh38, 1-based): chr13:32,398,762, T>C. VCF-style: chr13-32398762-T-C. GRCh37 (hg19) VCF-style: chr13-32972899-T-C.
Other names: short protein forms Y3417H.
Identifiers: ClinVar variation 409517 (VCV000409517.21), dbSNP rs535952730, ClinGen allele CA6941484.